The following is an entry in ClinVar:

NM_000081.4(LYST):c.8514C>A (p.Asp2838Glu)

Gene: LYST (lysosomal trafficking regulator; minus strand). Cytogenetic location: 1q42.3.
Variant type: single nucleotide variant.
Coding change: c.8514C>A on transcript NM_000081.4 (MANE Select); coding-DNA position 8514, C replaced by A.
Protein change: p.Asp2838Glu; replaces aspartic acid 2838 with glutamic acid.
Molecular consequence: missense variant.
Genome position (GRCh38, 1-based): chr1:235,734,504, G>T on the plus strand (C>A on the coding strand, the complement: LYST is on the minus strand). VCF-style: chr1-235734504-G-T. GRCh37 (hg19) VCF-style: chr1-235897804-G-T.
Other names: p.Asp2838Glu; c.8514C>A, p.Asp2838Glu (NM_001301365.1); short protein forms D2838E.
Identifiers: ClinVar variation 4542371 (VCV004542371.1).
Genomic context (GRCh38, chr1:235,734,504, plus strand): 5'-GGAATCTCCTAAGAAAGTACTATGGTTTCATTGACTCACCTCTTTGATCATTTTAATAAG[G>T]TCTGCTTTTGTTGATGCACTGGGAGGGATGCACTTGTGACCACATAACTTCAAAGCATTC-3'
Protein context (NP_000072.2, residues 2828-2848): CIPPSASTKA[Asp2838Glu]LIKMIKEEQK

ClinVar aggregate classification (germline): Uncertain significance (1 of 4 stars; one submission).

gnomAD v4.1: 11 of 1,613,384 alleles (0.00068%); highest among the groups gnomAD compares: East Asian, 0.0089%; no homozygotes.

Submission:

Mayo Clinic Laboratories, Mayo Clinic
Classification: Uncertain significance. Last evaluated: 2025-10-07. Review status: criteria provided, single submitter. Criteria: ACMG Guidelines, 2015. Collection method: clinical testing. Allele origin: germline. Observed: 1 variant allele.
Comment: BP4_moderate